The following is an entry in ClinVar:

NM_002890.3(RASA1):c.253G>A (p.Gly85Arg)

Gene: RASA1 (RAS p21 protein activator 1; plus strand). Cytogenetic location: 5q14.3.
Variant type: single nucleotide variant.
Coding change: c.253G>A on transcript NM_002890.3 (MANE Select); coding-DNA position 253, G replaced by A.
Protein change: p.Gly85Arg; replaces glycine 85 with arginine.
Molecular consequence: missense variant.
Genome position (GRCh38, 1-based): chr5:87,268,704, G>A. VCF-style: chr5-87268704-G-A. GRCh37 (hg19) VCF-style: chr5-86564521-G-A.
Other names: short protein forms G85R.
Identifiers: ClinVar variation 855480 (VCV000855480.9), dbSNP rs754858818, ClinGen allele CA3335363.

ClinVar aggregate classification (germline): Uncertain significance. Review status: criteria provided, multiple submitters, no conflicts (2 of 4 stars). 2 submissions from 2 submitters: Uncertain significance (2). Last evaluated 2023-05-18.

Conditions:
Capillary malformation-arteriovenous malformation syndrome. Also called: Capillary malformation-arteriovenous malformation. Identifiers: Orphanet 137667, MedGen C1842180, MONDO:0012016.
Cardiovascular phenotype. Identifiers: MedGen CN230736.

Allele frequency attached by ClinVar (database versions not stated): ExAC 0.00001; gnomAD exomes 0.00001 and below 0.00001.
gnomAD v4.1: 15 of 1,612,004 alleles (0.00093%); highest among the groups gnomAD compares: Non-Finnish European, 0.0013%; no homozygotes.

Submissions (2):

Ambry Genetics
Classification: Uncertain significance for Cardiovascular phenotype. Last evaluated: 2023-05-18. Review status: criteria provided, single submitter. Criteria: Ambry Variant Classification Scheme 2023. Collection method: clinical testing. Allele origin: germline.
Comment: The p.G85R variant (also known as c.253G>A), located in coding exon 1 of the RASA1 gene, results from a G to A substitution at nucleotide position 253. The glycine at codon 85 is replaced by arginine, an amino acid with dissimilar properties. This amino acid position is conserved. In addition, this alteration is predicted to be tolerated by in silico analysis. Since supporting evidence is limited at this time, the clinical significance of this alteration remains unclear.

Labcorp Genetics (formerly Invitae), Labcorp
Classification: Uncertain significance for Capillary malformation-arteriovenous malformation syndrome. Last evaluated: 2021-10-11. Review status: criteria provided, single submitter. Criteria: Invitae Variant Classification Sherloc (09022015). Collection method: clinical testing. Allele origin: germline.
Comment: This sequence change replaces glycine with arginine at codon 85 of the RASA1 protein (p.Gly85Arg). The glycine residue is weakly conserved and there is a moderate physicochemical difference between glycine and arginine. The frequency data for this variant in the population databases is considered unreliable, as metrics indicate poor data quality at this position in the ExAC database. This variant has not been reported in the literature in individuals affected with RASA1-related conditions. Algorithms developed to predict the effect of missense changes on protein structure and function are either unavailable or do not agree on the potential impact of this missense change (SIFT: "Tolerated"; PolyPhen-2: "Probably Damaging"; Align-GVGD: "Class C0"). In summary, the available evidence is currently insufficient to determine the role of this variant in disease. Therefore, it has been classified as a Variant of Uncertain Significance.